The following is an entry in ClinVar:

ClinVar aggregate classification (germline): Uncertain significance (1 of 4 stars; one submission).

Conditions:
Brugada syndrome. Also called: Sudden unexplained nocturnal death syndrome; Sudden unexpected nocturnal death syndrome; Sudden Unexplained Death Syndrome; Sudden Unexplained Nocturnal Death Syndrome (SUNDS). Identifiers: Orphanet 130, MedGen C1142166, MONDO:0015263.

gnomAD v4.1: 11 of 1,607,184 alleles (0.00068%); highest among the groups gnomAD compares: Non-Finnish European, 0.00093%; no homozygotes.

Submission:

Labcorp Genetics (formerly Invitae), Labcorp
Classification: Uncertain significance for Brugada syndrome. Last evaluated: 2024-01-09. Review status: criteria provided, single submitter. Criteria: Invitae Variant Classification Sherloc (09022015). Collection method: clinical testing. Allele origin: germline.
Comment: This sequence change replaces serine, which is neutral and polar, with phenylalanine, which is neutral and non-polar, at codon 16 of the CACNA2D1 protein (p.Ser16Phe). This variant is not present in population databases (gnomAD no frequency). This variant has not been reported in the literature in individuals affected with CACNA2D1-related conditions. Algorithms developed to predict the effect of missense changes on protein structure and function output the following: SIFT: "Not Available"; PolyPhen-2: "Possibly Damaging"; Align-GVGD: "Not Available". The phenylalanine amino acid residue is found in multiple mammalian species, which suggests that this missense change does not adversely affect protein function. In summary, the available evidence is currently insufficient to determine the role of this variant in disease. Therefore, it has been classified as a Variant of Uncertain Significance.

NM_000722.4(CACNA2D1):c.47C>T (p.Ser16Phe)

Gene: CACNA2D1 (calcium voltage-gated channel auxiliary subunit alpha2delta 1; minus strand). Cytogenetic location: 7q21.11.
Variant type: single nucleotide variant.
Coding change: c.47C>T on transcript NM_000722.4 (MANE Select); coding-DNA position 47, C replaced by T.
Protein change: p.Ser16Phe; replaces serine 16 with phenylalanine.
Molecular consequence: missense variant.
Genome position (GRCh38, 1-based): chr7:82,443,413, G>A on the plus strand (C>T on the coding strand, the complement: CACNA2D1 is on the minus strand). VCF-style: chr7-82443413-G-A. GRCh37 (hg19) VCF-style: chr7-82072729-G-A.
Other names: c.47C>T, p.Ser16Phe (NM_001302890.2, NM_001366867.1); short protein forms S16F.
Identifiers: ClinVar variation 2883642 (VCV002883642.3), dbSNP rs1274978372, ClinGen allele CA368017621.